The following is an entry in ClinVar:

ClinVar aggregate classification (germline): Uncertain significance (1 of 4 stars; one submission).

gnomAD v4.1: 1 of 1,613,108 alleles (0.000062%); no homozygotes.

Submission:

Labcorp Genetics (formerly Invitae), Labcorp
Classification: Uncertain significance. Last evaluated: 2025-05-12. Review status: criteria provided, single submitter. Criteria: Invitae Variant Classification Sherloc (09022015). Collection method: clinical testing. Allele origin: germline.
Comment: This sequence change replaces phenylalanine, which is neutral and non-polar, with leucine, which is neutral and non-polar, at codon 879 of the WFS1 protein (p.Phe879Leu). This variant is not present in population databases (gnomAD no frequency). This variant has not been reported in the literature in individuals affected with WFS1-related conditions. ClinVar contains an entry for this variant (Variation ID: 1985784). Invitae Evidence Modeling of protein sequence and biophysical properties (such as structural, functional, and spatial information, amino acid conservation, physicochemical variation, residue mobility, and thermodynamic stability) has been performed for this missense variant. However, the output from this modeling did not meet the statistical confidence thresholds required to predict the impact of this variant on WFS1 protein function. In summary, the available evidence is currently insufficient to determine the role of this variant in disease. Therefore, it has been classified as a Variant of Uncertain Significance.

NM_006005.3(WFS1):c.2637C>A (p.Phe879Leu)

Gene: WFS1 (wolframin ER transmembrane glycoprotein; plus strand). Cytogenetic location: 4p16.1.
Variant type: single nucleotide variant.
Coding change: c.2637C>A on transcript NM_006005.3 (MANE Select); coding-DNA position 2637, C replaced by A.
Protein change: p.Phe879Leu; replaces phenylalanine 879 with leucine.
Molecular consequence: missense variant.
Genome position (GRCh38, 1-based): chr4:6,302,432, C>A. VCF-style: chr4-6302432-C-A. GRCh37 (hg19) VCF-style: chr4-6304159-C-A.
Other names: c.2637C>A, p.Phe879Leu (NM_001145853.1); short protein forms F879L.
Identifiers: ClinVar variation 1985784 (VCV001985784.4), dbSNP rs770625544, ClinGen allele CA356179612.